The following is an entry in ClinVar:

ClinVar aggregate classification (germline): Uncertain significance (1 of 4 stars; one submission).

Submission:

Ambry Genetics
Classification: Uncertain significance. Last evaluated: 2022-04-24. Review status: criteria provided, single submitter. Criteria: Ambry Variant Classification Scheme 2023. Collection method: clinical testing. Allele origin: germline.
Comment: The p.L2193F variant (also known as c.6579A>C), located in coding exon 22 of the POLQ gene, results from an A to C substitution at nucleotide position 6579. The leucine at codon 2193 is replaced by phenylalanine, an amino acid with highly similar properties. This amino acid position is conserved. In addition, this alteration is predicted to be tolerated by in silico analysis. Since supporting evidence is limited at this time, the clinical significance of this alteration remains unclear.

NM_199420.4(POLQ):c.6579A>C (p.Leu2193Phe)

Gene: POLQ (DNA polymerase theta; minus strand). Cytogenetic location: 3q13.33.
Variant type: single nucleotide variant.
Coding change: c.6579A>C on transcript NM_199420.4 (MANE Select); coding-DNA position 6579, A replaced by C.
Protein change: p.Leu2193Phe; replaces leucine 2193 with phenylalanine.
Molecular consequence: missense variant.
Genome position (GRCh38, 1-based): chr3:121,472,129, T>G on the plus strand (A>C on the coding strand, the complement: POLQ is on the minus strand). VCF-style: chr3-121472129-T-G. GRCh37 (hg19) VCF-style: chr3-121190976-T-G.
Other names: short protein forms L2193F.
Identifiers: ClinVar variation 1754266 (VCV001754266.2), dbSNP rs1241161062, ClinGen allele CA354085549.